The following is an entry in ClinVar:

ClinVar aggregate classification (germline): Benign. Review status: criteria provided, single submitter (1 of 4 stars). 2 submissions from 2 submitters: Benign (1). 1 of the submissions does not count toward it. Last evaluated 2025-08-04.

Conditions:
KRT2-related disorder. Also called: KRT2-related condition.

Allele frequency attached by ClinVar (database versions not stated): gnomAD exomes 0.00009; ExAC 0.00027; TOPMed 0.00045; 1000 Genomes Project 30x 0.00047; gnomAD 0.00048; 1000 Genomes Project 0.00060; ESP Exome Variant Server 0.00069.
gnomAD v4.1: 208 of 1,614,198 alleles (0.013%); highest among the groups gnomAD compares: African/African-American, 0.15%; no homozygotes.

Submissions (2):

Labcorp Genetics (formerly Invitae), Labcorp
Classification: Benign. Last evaluated: 2025-08-04. Review status: criteria provided, single submitter. Criteria: Invitae Variant Classification Sherloc (09022015). Collection method: clinical testing. Allele origin: germline.

PreventionGenetics, part of Exact Sciences
Classification: Likely benign for KRT2-related condition. Last evaluated: 2019-09-19. Review status: no assertion criteria provided. Collection method: clinical testing. Allele origin: germline. Not counted in ClinVar's aggregate classification.
Comment: This variant is classified as likely benign based on ACMG/AMP sequence variant interpretation guidelines (Richards et al. 2015 PMID: 25741868, with internal and published modifications).

NM_000423.3(KRT2):c.1101G>A (p.Ala367=)

Gene: KRT2 (keratin 2; minus strand). Cytogenetic location: 12q13.13.
Variant type: single nucleotide variant.
Coding change: c.1101G>A on transcript NM_000423.3 (MANE Select); coding-DNA position 1101, G replaced by A.
Protein change: p.Ala367=; no amino-acid change (alanine 367 retained).
Molecular consequence: synonymous variant.
Genome position (GRCh38, 1-based): chr12:52,648,194, C>T on the plus strand (G>A on the coding strand, the complement: KRT2 is on the minus strand). VCF-style: chr12-52648194-C-T. GRCh37 (hg19) VCF-style: chr12-53041978-C-T.
Other names: c.1101G>A (NM_000423.2).
Identifiers: ClinVar variation 2713699 (VCV002713699.5), dbSNP rs150782089, ClinGen allele CA6585609.